The following is an entry in ClinVar:

ClinVar aggregate classification (germline): Conflicting classifications of pathogenicity. Review status: criteria provided, conflicting classifications (1 of 4 stars). 2 submissions from 2 submitters: Uncertain significance (1); Likely benign (1). Last evaluated 2022-05-01.

Conditions:
Hecht syndrome (DA7). Also called: MOUTH, INABILITY TO OPEN COMPLETELY, AND SHORT FINGER-FLEXOR TENDONS; Dutch-Kentucky syndrome. Identifiers: Orphanet 3377, MedGen C0265226, MONDO:0008016, OMIM 158300. Disease mechanism: gain of function.

Allele frequency attached by ClinVar (database versions not stated): gnomAD 0.00003; gnomAD exomes 0.00003 and 0.00005; ExAC 0.00005; TOPMed 0.00007.
gnomAD v4.1: 49 of 1,614,116 alleles (0.003%); highest among the groups gnomAD compares: East Asian, 0.0045%; no homozygotes.

Submissions (2):

CeGaT Center for Human Genetics Tuebingen
Classification: Likely benign. Last evaluated: 2022-05-01. Review status: criteria provided, single submitter. Criteria: CeGaT Center For Human Genetics Tuebingen Variant Classification Criteria Version 2. Collection method: clinical testing. Allele origin: germline. Affected: yes. Observed: 1 variant allele.
Comment: MYH8: BP4, BP7

Illumina Laboratory Services, Illumina
Classification: Uncertain significance for Hecht syndrome. Last evaluated: 2018-01-13. Review status: criteria provided, single submitter. Criteria: ICSL Variant Classification Criteria 13 December 2019. Collection method: clinical testing. Allele origin: germline.

NM_002472.3(MYH8):c.1833G>A (p.Leu611=)

Genes: MYH8 (myosin heavy chain 8; minus strand), MYHAS (myosin heavy chain gene cluster antisense RNA; plus strand). Cytogenetic location: 17p13.1.
Variant type: single nucleotide variant.
Coding change: c.1833G>A on transcript NM_002472.3 (MANE Select); coding-DNA position 1833, G replaced by A.
Protein change: p.Leu611=; no amino-acid change (leucine 611 retained).
Molecular consequence: synonymous variant.
Genome position (GRCh38, 1-based): chr17:10,409,343, C>T on the plus strand (G>A on the coding strand, the complement: MYH8 is on the minus strand). VCF-style: chr17-10409343-C-T. GRCh37 (hg19) VCF-style: chr17-10312660-C-T.
Identifiers: ClinVar variation 321645 (VCV000321645.29), dbSNP rs202061555, ClinGen allele CA8387967.
Genomic context (GRCh38, chr17:10,409,343, plus strand): 5'-TTCAGCACTAGCATACGTGGAAAAGAGACTGGCTAGAGTCTTCATTGCAGACTTCTGGTA[C>T]AGCCCAACCACAGTATCATTCAGGGGGTCCTTATTTTTGTCCAGCCAGCCAGTAATGTTG-3'
Protein context (NP_002463.2, residues 601-621): KDPLNDTVVG[Leu611=]YQKSAMKTLA